The following is an entry in ClinVar:

NM_005732.4(RAD50):c.3211_3213del (p.His1071del)

Gene: RAD50 (RAD50 double strand break repair protein; plus strand). Cytogenetic location: 5q31.1.
Variant type: Deletion.
Coding change: c.3211_3213del on transcript NM_005732.4 (MANE Select); coding-DNA positions 3211 to 3213, 3 bases deleted (CAT; older notation c.3211_3213delCAT).
Protein change: p.His1071del; deletes histidine 1071.
Molecular consequence: inframe deletion.
Genome position (GRCh38, 1-based): chr5:132,618,116-132,618,118, CAT deleted; deleting any 3 consecutive bases within chr5:132,618,114-132,618,118 gives the same sequence; the c. name uses the placement nearest the transcript's 3' end. VCF-style (leftmost placement, unchanged base first): chr5-132618113-AATC-A. GRCh37 (hg19) VCF-style: chr5-131953805-AATC-A.
Other names: short protein forms H1071del.
Identifiers: ClinVar variation 484725 (VCV000484725.5), dbSNP rs1554099871, ClinGen allele CA658657535.

ClinVar aggregate classification (germline): Uncertain significance (1 of 4 stars; one submission).

Conditions:
Hereditary cancer-predisposing syndrome. Also called: Neoplastic Syndromes, Hereditary; Tumor predisposition; Hereditary Cancer Syndrome; Hereditary neoplastic syndrome. Identifiers: Orphanet 140162, MedGen C0027672, MeSH D009386, MONDO:0015356.

Submission:

Ambry Genetics
Classification: Uncertain significance for Hereditary cancer-predisposing syndrome. Last evaluated: 2017-09-09. Review status: criteria provided, single submitter. Criteria: Ambry Variant Classification Scheme 2023. Collection method: clinical testing. Allele origin: germline.
Comment: The c.3211_3213delCAT variant (also known as p.H1071del) is located in coding exon 21 of the RAD50 gene. This variant results from an in-frame CAT deletion at nucleotide positions 3211 to 3213. This results in the in-frame deletion of a histidine at codon 1071. This amino acid position is not well conserved in available vertebrate species. Since supporting evidence is limited at this time, the clinical significance of this alteration remains unclear.